The following is an entry in ClinVar:

NM_001003841.3(SLC6A19):c.817G>A (p.Ala273Thr)

Gene: SLC6A19 (solute carrier family 6 member 19; plus strand). Cytogenetic location: 5p15.33.
Variant type: single nucleotide variant.
Coding change: c.817G>A on transcript NM_001003841.3 (MANE Select); coding-DNA position 817, G replaced by A.
Protein change: p.Ala273Thr; replaces alanine 273 with threonine.
Molecular consequence: missense variant.
Genome position (GRCh38, 1-based): chr5:1,213,995, G>A. VCF-style: chr5-1213995-G-A. GRCh37 (hg19) VCF-style: chr5-1214110-G-A.
Other names: short protein forms A273T.
Identifiers: ClinVar variation 1367665 (VCV001367665.8), dbSNP rs373991930, ClinGen allele CA3182908.
Genomic context (GRCh38, chr5:1,213,995, plus strand): 5'-GGTCTCCATGTGGCGCAGGTCACGGAGCTGGCCCAGCCGGACACCTGGCTGGACGCGGGC[G>A]CACAGGTCTTCTTCTCCTTCTCCCTGGCCTTCGGGGGCCTCATCTCCTTCTCCAGCTACA-3'
Protein context (NP_001003841.1, residues 263-283): AQPDTWLDAG[Ala273Thr]QVFFSFSLAF

ClinVar aggregate classification (germline): Uncertain significance (1 of 4 stars; one submission).

Allele frequency attached by ClinVar (database versions not stated): ExAC 0.00004; gnomAD 0.00007; gnomAD exomes 0.00007; ESP Exome Variant Server 0.00008; TOPMed 0.00008.
gnomAD v4.1: 125 of 1,613,632 alleles (0.0077%); highest among the groups gnomAD compares: Middle Eastern, 0.033%; 2 homozygotes.

Submission:

Labcorp Genetics (formerly Invitae), Labcorp
Classification: Uncertain significance. Last evaluated: 2022-08-21. Review status: criteria provided, single submitter. Criteria: Invitae Variant Classification Sherloc (09022015). Collection method: clinical testing. Allele origin: germline.
Comment: In summary, the available evidence is currently insufficient to determine the role of this variant in disease. Therefore, it has been classified as a Variant of Uncertain Significance. Algorithms developed to predict the effect of missense changes on protein structure and function output the following: SIFT: "Deleterious"; PolyPhen-2: "Benign"; Align-GVGD: "Class C55". The threonine amino acid residue is found in multiple mammalian species, which suggests that this missense change does not adversely affect protein function. ClinVar contains an entry for this variant (Variation ID: 1367665). This variant has not been reported in the literature in individuals affected with SLC6A19-related conditions. This variant is present in population databases (rs373991930, gnomAD 0.02%). This sequence change replaces alanine, which is neutral and non-polar, with threonine, which is neutral and polar, at codon 273 of the SLC6A19 protein (p.Ala273Thr).